The following is an entry in ClinVar:

NM_006218.4(PIK3CA):c.1348_1374del (p.His450_Pro458del)

Gene: PIK3CA (phosphatidylinositol-4,5-bisphosphate 3-kinase catalytic subunit alpha; plus strand). Cytogenetic location: 3q26.32.
Variant type: Deletion.
Coding change: c.1348_1374del on transcript NM_006218.4 (MANE Select); coding-DNA positions 1348 to 1374, 27 bases deleted (CATGGATTAGAAGATTTGCTGAACCCT).
Protein change: p.His450_Pro458del.
Genome position (GRCh38, 1-based): chr3:179,210,282-179,210,308, CATGGATTAGAAGATTTGCTGAACCCT deleted; deleting any 27 consecutive bases within chr3:179,210,279-179,210,308 gives the same sequence; the c. name uses the placement nearest the transcript's 3' end. VCF-style (leftmost placement, unchanged base first): chr3-179210278-ACCTCATGGATTAGAAGATTTGCTGAAC-A. GRCh37 (hg19) VCF-style: chr3-178928066-ACCTCATGGATTAGAAGATTTGCTGAAC-A.
Identifiers: ClinVar variation 3774505 (VCV003774505.1).
Genomic context (GRCh38, chr3:179,210,278, plus strand): 5'-CTTGTTTGATTACACAGACACTCTAGTATCTGGAAAAATGGCTTTGAATCTTTGGCCAGT[ACCTCATGGATTAGAAGATTTGCTGAAC>A]CCTATTGGTGTTACTGGATCAAATCCAAATAAAGTAAGGTTTTTATTGTCATAAATTAGA-3'

ClinVar aggregate classification (germline): Likely pathogenic (1 of 4 stars; one submission).

Conditions:
PIK3CA related overgrowth syndrome. Also called: PIK3CA related overgrowth spectrum; PIK3CA-Related Segmental Overgrowth. Identifiers: Orphanet 530313, MedGen C4728213, MONDO:1040002.

Submission:

Clinical Genomics Laboratory, Washington University in St. Louis
Classification: Likely pathogenic for PIK3CA-related overgrowth syndrome. Last evaluated: 2024-10-02. Review status: criteria provided, single submitter. Criteria: Leon-Quintero et al. (Clin Genet. 2025). Collection method: clinical testing. Allele origin: somatic. Affected: yes.
Comment: A PIK3CA c.1348_1374del (p.His450_Pro458del) variant was identified at a variant allelic fraction consistent with somatic origin. This variant has been reported in the literature in a somatic state in several patients with breast cancer, but to our knowledge, has not been reported in PIK3CA-related overgrowth spectrum disorder (PROS); however, other nearby deletion/insertion variants involving amino acids 418-421 and 447-455 in the C2 domain of PIK3CA have been identified in affected individuals (Croessmann S et al., PMID: 29284706; Mojarad BA et al., 2023; Kirstein AS et al., PMID: 31627436; Li D et al., PMID: 37264205). This variant is absent from the general population (gnomAD v.4.1.0), indicating it is not a common variant. The PIK3CA c.1348_1374del (p.His450_Pro458del) variant resides within a highly conserved region of the C2 domain, spanning amino acids 330-487, of PIK3CA, which is defined as a critical functional domain (Gymnopoulos et al., PMID: 17376864). This variant is predicted to cause a change in the length of the protein due to an in-frame deletion of eight amino acids in a non-repeat region. In vitro functional studies show that this variant reduces p85alpha-mediated repression resulting in the upregulation of catalytic activity of p110alpha with subsequent enhanced activation of AKT/MTOR signaling and ligand-independent growth of cancer-derived cells (Croessmann S et al., PMID: 29284706). Based on available information and an internally developed protocol informed by the ACMG/AMP guidelines for variant interpretation and gene-specific practices from the ClinGen Criteria Specification Registry (Leon-Quintero FZ et al., PMID: 39434542), the PIK3CA c.1348_1374del (p.His450_Pro458del) variant is classified as likely pathogenic.